The following is an entry in ClinVar:

NM_000297.4(PKD2):c.843+1G>T

Gene: PKD2 (polycystin 2, transient receptor potential cation channel; plus strand). Cytogenetic location: 4q22.1.
Variant type: single nucleotide variant.
Coding change: c.843+1G>T on transcript NM_000297.4 (MANE Select); the canonical splice donor site of the intron after coding-DNA position 843, G replaced by T.
Molecular consequence: splice donor variant.
Genome position (GRCh38, 1-based): chr4:88,036,354, G>T. VCF-style: chr4-88036354-G-T. GRCh37 (hg19) VCF-style: chr4-88957506-G-T.
Identifiers: ClinVar variation 3360474 (VCV003360474.2).

ClinVar aggregate classification (germline): Pathogenic. Review status: criteria provided, multiple submitters, no conflicts (2 of 4 stars). 2 submissions from 2 submitters: Pathogenic (2). Last evaluated 2024-04-26.

Conditions:
Polycystic kidney disease 2 (PKD2). Also called: POLYCYSTIC KIDNEY DISEASE 2 WITH OR WITHOUT POLYCYSTIC LIVER DISEASE; Polycystic Kidney Disease 2, Autosomal Dominant; POLYCYSTIC KIDNEY DISEASE, ADULT, TYPE II. Identifiers: MedGen C2751306, MONDO:0013131, OMIM 613095.

Submissions (2):

Fulgent Genetics
Classification: Pathogenic for Polycystic kidney disease 2. Last evaluated: 2024-04-26. Review status: criteria provided, single submitter. Criteria: ACMG Guidelines, 2015. Collection method: clinical testing. Allele origin: germline.

GeneDx
Classification: Pathogenic. Last evaluated: 2024-04-05. Review status: criteria provided, single submitter. Criteria: GeneDx Variant Classification Process June 2021. Collection method: clinical testing. Allele origin: germline. Affected: yes.
Comment: Canonical splice site variant predicted to result in a null allele in a gene for which loss of function is a known mechanism of disease; Not observed at significant frequency in large population cohorts (gnomAD); This variant is associated with the following publications: (PMID: 31514750, 27499327)